The following is an entry in ClinVar:

NM_001128126.3(AP4S1):c.306+4273C>A

Gene: AP4S1 (adaptor related protein complex 4 subunit sigma 1; plus strand). Cytogenetic location: 14q12.
Variant type: single nucleotide variant.
Coding change: c.306+4273C>A on transcript NM_001128126.3 (MANE Select); 4273 bases into the intron after coding-DNA position 306, C replaced by A.
Molecular consequence: intron variant. On other transcripts: missense variant (2), 3 prime UTR variant (1).
Genome position (GRCh38, 1-based): chr14:31,084,857, C>A. VCF-style: chr14-31084857-C-A. GRCh37 (hg19) VCF-style: chr14-31554063-C-A.
Other names: c.383C>A, p.Ala128Asp (NM_001254726.2); c.*127C>A (NM_001254727.2); c.455C>A, p.Ala152Asp (NM_007077.5); c.306+4273C>A (NM_001254729.2, NM_001254728.2); c.455C>A (NM_007077.3); short protein forms A152D, A128D.
Identifiers: ClinVar variation 570901 (VCV000570901.8), dbSNP rs758028160, ClinGen allele CA7144296.

ClinVar aggregate classification (germline): Uncertain significance. Review status: criteria provided, multiple submitters, no conflicts (2 of 4 stars). 2 submissions from 2 submitters: Uncertain significance (2). Last evaluated 2023-09-17.

Conditions:
Inborn genetic diseases. Identifiers: MedGen C0950123, MeSH D030342.
Spastic paraplegia. Identifiers: MedGen C0037772, HP:0001258.

Allele frequency attached by ClinVar (database versions not stated): gnomAD exomes 0.00001 and 0.00003; ExAC 0.00002; TOPMed 0.00002; gnomAD 0.00003.
gnomAD v4.1: 21 of 1,614,096 alleles (0.0013%); highest among the groups gnomAD compares: Non-Finnish European, 0.0017%; no homozygotes.

Submissions (2):

Labcorp Genetics (formerly Invitae), Labcorp
Classification: Uncertain significance for Spastic paraplegia. Last evaluated: 2023-09-17. Review status: criteria provided, single submitter. Criteria: Invitae Variant Classification Sherloc (09022015). Collection method: clinical testing. Allele origin: germline.
Comment: This sequence change replaces alanine, which is neutral and non-polar, with aspartic acid, which is acidic and polar, at codon 152 of the AP4S1 protein (p.Ala152Asp). This variant is present in population databases (rs758028160, gnomAD 0.006%). This variant has not been reported in the literature in individuals affected with AP4S1-related conditions. ClinVar contains an entry for this variant (Variation ID: 570901). An algorithm developed to predict the effect of missense changes on protein structure and function (PolyPhen-2) suggests that this variant is likely to be tolerated. In summary, the available evidence is currently insufficient to determine the role of this variant in disease. Therefore, it has been classified as a Variant of Uncertain Significance.

Ambry Genetics
Classification: Uncertain significance for Inborn genetic diseases. Last evaluated: 2023-08-28. Review status: criteria provided, single submitter. Criteria: Ambry Variant Classification Scheme 2023. Collection method: clinical testing. Allele origin: germline.